The following is an entry in ClinVar:

NM_001369.3(DNAH5):c.4189del (p.Thr1397fs)

Genes: DNAH5 (dynein axonemal heavy chain 5; minus strand), DNAH5-AS1 (DNAH5 antisense RNA 1; plus strand). Cytogenetic location: 5p15.2.
Variant type: Deletion.
Coding change: c.4189del on transcript NM_001369.3 (MANE Select); coding-DNA position 4189, one base deleted (A; older notation c.4189delA).
Protein change: p.Thr1397fs; shifts the reading frame from threonine 1397.
Molecular consequence: frameshift variant.
Genome position (GRCh38, 1-based): chr5:13,865,834, T deleted on the plus strand (A on the coding strand, the reverse complement: DNAH5 is on the minus strand). VCF-style (leftmost placement, unchanged base first): chr5-13865833-GT-G. GRCh37 (hg19) VCF-style: chr5-13865942-GT-G.
Other names: short protein forms T1397fs.
Identifiers: ClinVar variation 5011539 (VCV005011539.1).
Genomic context (GRCh38, chr5:13,865,833, plus strand): 5'-GTATATATTTTCTGTAGAAGATTTAGTTGCTTCTTTATTTCAAGAAGCTGAGGATACTGT[GT>G]AGCTGGCAGGCCAAAAAGCTCCTCTCCTCCAGTATATGTGATGTATTTCCGATAGATATT-3'

ClinVar aggregate classification (germline): Pathogenic (1 of 4 stars; one submission).

Conditions:
Primary ciliary dyskinesia 3. Identifiers: Orphanet 244, MedGen C1837618, MONDO:0012085, OMIM 608644.

Submission:

Myriad Genetics, Inc.
Classification: Pathogenic for Primary ciliary dyskinesia 3. Last evaluated: 2023-09-03. Review status: criteria provided, single submitter. Criteria: Myriad Autosomal Dominant, Autosomal Recessive and X-Linked Classification Criteria (2023). Collection method: clinical testing. Allele origin: unknown.
Comment: NM_001369.2(DNAH5):c.4189delA(T1397Hfs*9) is expected to be pathogenic in the context of primary ciliary dyskinesia, DNAH5-related. This variant is predicted to lead to an abnormal or absent protein product due to the creation of a premature termination codon in DNAH5, a gene where loss-of-function variants are known to be pathogenic. Please note: this variant was assessed in the context of healthy population screening.